The following is an entry in ClinVar:

ClinVar aggregate classification (germline): Uncertain significance (1 of 4 stars; one submission).

Conditions:
SDCCAG8-related disorder. Also called: SDCCAG8-related condition; SDCCAG8-Related Disorders.

gnomAD v4.1: 1 of 1,601,328 alleles (0.000062%); highest among the groups gnomAD compares: Non-Finnish European, 0.000086%; no homozygotes.

Submission:

PreventionGenetics, part of Exact Sciences
Classification: Uncertain significance for SDCCAG8-related condition. Last evaluated: 2025-08-29. Review status: criteria provided, single submitter. Criteria: ACMG Guidelines, 2015. Collection method: clinical testing. Allele origin: germline.
Comment: The SDCCAG8 c.305T>C variant is predicted to result in the amino acid substitution p.Leu102Ser. To our knowledge, this variant has not been reported in the literature or in a large population database (gnomAD), indicating this variant is rare. At this time, the clinical significance of this variant is uncertain due to the absence of conclusive functional and genetic evidence.

NM_006642.5(SDCCAG8):c.305T>C (p.Leu102Ser)

Gene: SDCCAG8 (SHH signaling and ciliogenesis regulator SDCCAG8; plus strand). Cytogenetic location: 1q43.
Variant type: single nucleotide variant.
Coding change: c.305T>C on transcript NM_006642.5 (MANE Select); coding-DNA position 305, T replaced by C.
Protein change: p.Leu102Ser; replaces leucine 102 with serine.
Molecular consequence: missense variant. On other transcripts: 5 prime UTR variant (3).
Genome position (GRCh38, 1-based): chr1:243,271,062, T>C. VCF-style: chr1-243271062-T-C. GRCh37 (hg19) VCF-style: chr1-243434364-T-C.
Other names: c.-808T>C (NM_001350246.2); c.-696T>C (NM_001350247.2); c.305T>C, p.Leu102Ser (NM_001350248.2); c.11T>C, p.Leu4Ser (NM_001350249.2); c.-1069T>C (NM_001350251.2); short protein forms L102S, L4S.
Identifiers: ClinVar variation 4995580 (VCV004995580.1).
Genomic context (GRCh38, chr1:243,271,062, plus strand): 5'-GCCAACAAGCAGATAAGGAAAGTGAAGTATCTCCGTCAAGAAGAAGAAAAATGTCCCCCT[T>C]GGTAAGTATCAACTTTTCCAAGTTGACAAAGCATTCCTGTGTTTTACTGTATTGTGTTAT-3'
Protein context (NP_006633.1, residues 92-112): SPSRRRKMSP[Leu102Ser]RSLEHEETNM